The following is an entry in ClinVar:

NM_004519.4(KCNQ3):c.1921G>A (p.Asp641Asn)

Gene: KCNQ3 (potassium voltage-gated channel subfamily Q member 3; minus strand). Cytogenetic location: 8q24.22.
Variant type: single nucleotide variant.
Coding change: c.1921G>A on transcript NM_004519.4 (MANE Select); coding-DNA position 1921, G replaced by A.
Protein change: p.Asp641Asn; replaces aspartic acid 641 with asparagine.
Molecular consequence: missense variant.
Genome position (GRCh38, 1-based): chr8:132,129,960, C>T on the plus strand (G>A on the coding strand, the complement: KCNQ3 is on the minus strand). VCF-style: chr8-132129960-C-T. GRCh37 (hg19) VCF-style: chr8-133142207-C-T.
Other names: c.1561G>A, p.Asp521Asn (NM_001204824.2); short protein forms D521N, D641N.
Identifiers: ClinVar variation 2658822 (VCV002658822.24), dbSNP rs762238111, ClinGen allele CA4880543.

ClinVar aggregate classification (germline): Uncertain significance (1 of 4 stars; one submission).

Allele frequency attached by ClinVar (database versions not stated): gnomAD exomes below 0.00001; ExAC 0.00001.
gnomAD v4.1: 1 of 1,613,984 alleles (0.000062%); highest among the groups gnomAD compares: Non-Finnish European, 0.000085%; no homozygotes.

Submission:

CeGaT Center for Human Genetics Tuebingen
Classification: Uncertain significance. Last evaluated: 2022-07-01. Review status: criteria provided, single submitter. Criteria: CeGaT Center For Human Genetics Tuebingen Variant Classification Criteria Version 2. Collection method: clinical testing. Allele origin: germline. Affected: yes. Observed: 1 variant allele.
Comment: KCNQ3: PM2